The following is an entry in ClinVar:

ClinVar aggregate classification (germline): Pathogenic/Likely pathogenic. Review status: criteria provided, multiple submitters, no conflicts (2 of 4 stars). 4 submissions from 4 submitters: Pathogenic (1); Likely pathogenic (3). Last evaluated 2023-09-26.

Conditions:
Orofaciodigital syndrome type 6 (OFD6). Also called: OROFACIODIGITAL SYNDROME VI; OFDS VI; POLYDACTYLY, CLEFT LIP/PALATE OR LINGUAL LUMP, AND PSYCHOMOTOR RETARDATION; VARADI SYNDROME; VARADI-PAPP SYNDROME; Oral-facial-digital syndrome type 6. Identifiers: Orphanet 2754, MedGen C2745997, MONDO:0010176, OMIM 277170.
Joubert syndrome 17 (JBTS17). Identifiers: Orphanet 475, MedGen C3553264, MONDO:0013824, OMIM 614615.
C5ORF42 & CPLANE1-related disorders.

Allele frequency attached by ClinVar (database versions not stated): ESP Exome Variant Server 0.00008.

Submissions (4):

GeneDx
Classification: Likely pathogenic. Last evaluated: 2023-09-26. Review status: criteria provided, single submitter. Criteria: GeneDx Variant Classification Process June 2021. Collection method: clinical testing. Allele origin: germline. Affected: yes.
Comment: In silico analysis supports that this missense variant has a deleterious effect on protein structure/function; Not observed at significant frequency in large population cohorts (gnomAD); This variant is associated with the following publications: (PMID: 29605658, 26092869, 24091540, 25407461)

Fulgent Genetics
Classification: Likely pathogenic for Orofaciodigital syndrome type 6; Joubert syndrome 17. Last evaluated: 2022-04-07. Review status: criteria provided, single submitter. Criteria: ACMG Guidelines, 2015. Collection method: clinical testing. Allele origin: unknown.

Blueprint Genetics
Classification: Likely pathogenic for C5ORF42 & CPLANE1-related disorders. Last evaluated: 2022-01-25. Review status: criteria provided, single submitter. Criteria: ACMG Guidelines, 2015. Collection method: clinical testing. Allele origin: germline. Affected: yes. Observed: 3 variant alleles.

Labcorp Genetics (formerly Invitae), Labcorp
Classification: Pathogenic. Last evaluated: 2021-01-27. Review status: criteria provided, single submitter. Criteria: Invitae Variant Classification Sherloc (09022015). Collection method: clinical testing. Allele origin: germline.
Comment: Algorithms developed to predict the effect of sequence changes on RNA splicing suggest that this variant may create or strengthen a splice site, but this prediction has not been confirmed by published transcriptional studies. This variant disrupts the p.Ala1200 amino acid residue in CPLANE1. Other variant(s) that disrupt this residue have been determined to be pathogenic (PMID: 24091540, 25407461, 27081551, 29605658). This suggests that this residue is clinically significant, and that variants that disrupt this residue are likely to be disease-causing. For these reasons, this variant has been classified as Pathogenic. Advanced modeling of protein sequence and biophysical properties (such as structural, functional, and spatial information, amino acid conservation, physicochemical variation, residue mobility, and thermodynamic stability) performed at Invitae indicates that this missense variant is expected to disrupt CPLANE1 protein function. This variant has been observed in individual(s) with CPLANE1-related conditions (PMID: 29605658). It has also been observed to segregate with disease in related individuals. This variant is not present in population databases (ExAC no frequency). This sequence change replaces alanine with glutamic acid at codon 1200 of the CPLANE1 protein (p.Ala1200Glu). The alanine residue is moderately conserved and there is a moderate physicochemical difference between alanine and glutamic acid.

Literature cited by the submitters: PubMed 24091540 (cited by Labcorp Genetics (formerly Invitae), Labcorp); PubMed 25407461 (cited by Labcorp Genetics (formerly Invitae), Labcorp); PubMed 27081551 (cited by Labcorp Genetics (formerly Invitae), Labcorp); PubMed 29605658 (cited by Labcorp Genetics (formerly Invitae), Labcorp).

NM_001384732.1(CPLANE1):c.3599C>A (p.Ala1200Glu)

Gene: CPLANE1 (ciliogenesis and planar polarity effector complex subunit 1; minus strand). Cytogenetic location: 5p13.2.
Variant type: single nucleotide variant.
Coding change: c.3599C>A on transcript NM_001384732.1 (MANE Select); coding-DNA position 3599, C replaced by A.
Protein change: p.Ala1200Glu; replaces alanine 1200 with glutamic acid.
Molecular consequence: missense variant.
Genome position (GRCh38, 1-based): chr5:37,198,775, G>T on the plus strand (C>A on the coding strand, the complement: CPLANE1 is on the minus strand). VCF-style: chr5-37198775-G-T. GRCh37 (hg19) VCF-style: chr5-37198877-G-T.
Other names: c.3599C>A, p.Ala1200Glu (NM_023073.4); short protein forms A1200E.
Identifiers: ClinVar variation 1416162 (VCV001416162.12), dbSNP rs141153181, ClinGen allele CA117077141.